The following is an entry in ClinVar:

NM_032856.5(WDR73):c.1114G>A (p.Val372Met)

Gene: WDR73 (WD repeat domain 73; minus strand). Cytogenetic location: 15q25.2.
Variant type: single nucleotide variant.
Coding change: c.1114G>A on transcript NM_032856.5 (MANE Select); coding-DNA position 1114, G replaced by A.
Protein change: p.Val372Met; replaces valine 372 with methionine.
Molecular consequence: missense variant. On other transcripts: non-coding transcript variant (4).
Genome position (GRCh38, 1-based): chr15:84,643,493, C>T on the plus strand (G>A on the coding strand, the complement: WDR73 is on the minus strand). VCF-style: chr15-84643493-C-T. GRCh37 (hg19) VCF-style: chr15-85186724-C-T.
Other names: p.Val372Met; short protein forms V372M.
Identifiers: ClinVar variation 4541971 (VCV004541971.1).

ClinVar aggregate classification (germline): Uncertain significance (1 of 4 stars; one submission).

Submission:

Mayo Clinic Laboratories, Mayo Clinic
Classification: Uncertain significance. Last evaluated: 2025-04-29. Review status: criteria provided, single submitter. Criteria: ACMG Guidelines, 2015. Collection method: clinical testing. Allele origin: germline. Observed: 1 variant allele.
Comment: BP4_moderate, PM2_supporting